The following is an entry in ClinVar:

ClinVar aggregate classification (germline): Conflicting classifications of pathogenicity. Review status: criteria provided, conflicting classifications (1 of 4 stars). 26 submissions from 25 submitters: Uncertain significance (5); Benign (8); Likely benign (8). 5 of the submissions do not count toward it. Last evaluated 2026-09-01.

Conditions:
CAV3-related disorder. Also called: CAV3-related condition.
Cardiovascular phenotype. Identifiers: MedGen CN230736.
Long QT syndrome (LQTS). Identifiers: MedGen C0023976, MeSH D008133, MONDO:0002442. Disease mechanism: loss of function. Inheritance: Various modes of inheritance.
Cardiomyopathy (CMYO). Also called: Cardiomyopathies. Identifiers: Orphanet 167848, MedGen C0878544, MONDO:0004994, HP:0001638. Inheritance: Various modes of inheritance.
Caveolinopathy. Identifiers: Orphanet 207078, MedGen C5679790, MONDO:0016146.
Long QT syndrome 9 (LQT9). Identifiers: Orphanet 101016, Orphanet 768, MedGen C2678485, MONDO:0012736, OMIM 611818.
Long QT syndrome 2/9, digenic (LQT2/9, DIGENIC). Identifiers: MedGen CN315764.
Long QT syndrome 1 (LQT1). Identifiers: Orphanet 101016, Orphanet 768, MedGen C4551647, MONDO:0100316, OMIM 192500, MONDO:0008646.
Hypertrophic cardiomyopathy. Also called: HYPERTROPHIC MYOCARDIOPATHY. Identifiers: Orphanet 217569, MedGen C0007194, MeSH D002312, MONDO:0005045, HP:0001639.

Allele frequency attached by ClinVar (database versions not stated): gnomAD 0.00317 and 0.00302; 1000 Genomes Project 30x 0.00172; TOPMed 0.00293; 1000 Genomes Project 0.00200.
gnomAD v4.1: 4,018 of 1,614,100 alleles (0.25%); highest among the groups gnomAD compares: Middle Eastern, 0.84%; 8 homozygotes.

Submissions 1 to 19 of 26:

CeGaT Center for Human Genetics Tuebingen
Classification: Likely benign. Last evaluated: 2026-09-01. Review status: criteria provided, single submitter. Criteria: CeGaT Center For Human Genetics Tuebingen Variant Classification Criteria Version 2. Collection method: clinical testing. Allele origin: germline. Affected: yes. Observed: 18 variant alleles.
Comment: CAV3: PM5, BS1, BS2

Labcorp Genetics (formerly Invitae), Labcorp
Classification: Benign for Long QT syndrome. Last evaluated: 2026-02-04. Review status: criteria provided, single submitter. Criteria: Invitae Variant Classification Sherloc (09022015). Collection method: clinical testing. Allele origin: germline.

Blueprint Genetics
Classification: Likely benign. Last evaluated: 2024-11-22. Review status: criteria provided, single submitter. Criteria: ACMG Guidelines, 2015. Collection method: clinical testing. Allele origin: germline.

Athena Diagnostics
Classification: Benign. Last evaluated: 2024-08-30. Review status: criteria provided, single submitter. Criteria: Athena Diagnostics Criteria. Collection method: clinical testing. Allele origin: unknown.

Mayo Clinic Laboratories, Mayo Clinic
Classification: Likely benign. Last evaluated: 2024-07-30. Review status: criteria provided, single submitter. Criteria: ACMG Guidelines, 2015. Collection method: clinical testing. Allele origin: germline. Observed: 20 variant alleles.
Comment: BS1, BS2

Dept of Medical Biology, Uskudar University
Classification: Uncertain significance for Long QT syndrome. Last evaluated: 2024-01-08. Review status: criteria provided, single submitter. Criteria: Dept of Medical Biology Variant Classification. Collection method: research. Allele origin: maternal. Affected: yes. Observed: 2 variant alleles.
Comment: Criteria: PP2, PP3, BS1

GeneDx
Classification: Benign. Last evaluated: 2020-07-13. Review status: criteria provided, single submitter. Criteria: GeneDx Variant Classification Process June 2021. Collection method: clinical testing. Allele origin: germline. Affected: yes.
Comment: This variant is associated with the following publications: (PMID: 17275750, 24123366, 23640888, 18253147, 24070816, 24021552, 23465283, 22378279, 22245016, 22595201, 17060380, 26656175, 26159999, 27312022, 29367541, 28648120, 28898996, 30986657, 28988457, 31019283, 31043699)

ARUP Laboratories, Molecular Genetics and Genomics, ARUP Laboratories
Classification: Benign. Last evaluated: 2019-08-02. Review status: criteria provided, single submitter. Criteria: ARUP Molecular Germline Variant Investigation Process. Collection method: clinical testing. Allele origin: germline.

Mendelics
Classification: Likely benign for Long QT syndrome 1. Last evaluated: 2019-05-28. Review status: criteria provided, single submitter. Criteria: Mendelics Assertion Criteria 2017. Collection method: clinical testing. Allele origin: unknown.

Genomic Research Center, Shahid Beheshti University of Medical Sciences
Classification: Uncertain significance. Last evaluated: 2019-04-27. Review status: criteria provided, single submitter. Criteria: ACMG Guidelines, 2015. Collection method: clinical testing. Allele origin: unknown. Affected: yes.

Ambry Genetics
Classification: Likely benign for Cardiovascular phenotype. Last evaluated: 2019-02-28. Review status: criteria provided, single submitter. Criteria: Ambry Variant Classification Scheme 2023. Collection method: clinical testing. Allele origin: germline.

Equipe Genetique des Anomalies du Developpement, Université de Bourgogne
Classification: Uncertain significance for Long QT syndrome 9. Last evaluated: 2018-11-21. Review status: criteria provided, single submitter. Criteria: ACMG Guidelines, 2015. Collection method: clinical testing. Allele origin: unknown.

CHEO Genetics Diagnostic Laboratory, Children's Hospital of Eastern Ontario
Classification: Benign for Cardiomyopathy. Last evaluated: 2018-06-05. Review status: criteria provided, single submitter. Criteria: ACMG Guidelines, 2015. Collection method: clinical testing. Allele origin: germline.

Illumina Laboratory Services, Illumina
Classification: Uncertain significance for Caveolinopathy. Last evaluated: 2017-04-27. Review status: criteria provided, single submitter. Criteria: ICSL Variant Classification Criteria 13 December 2019. Collection method: clinical testing. Allele origin: germline.
Comment: This variant was observed as part of a predisposition screen in an ostensibly healthy population. A literature search was performed for the gene, cDNA change, and amino acid change (where applicable). Publications were found based on this search. However, the evidence from the literature, in combination with allele frequency data from public databases where available, was not sufficient to rule this variant in or out of causing disease. Therefore, this variant is classified as a variant of unknown significance.

Center for Advanced Laboratory Medicine, UC San Diego Health, University of California San Diego
Classification: Benign for Cardiomyopathy. Last evaluated: 2017-03-22. Review status: criteria provided, single submitter. Criteria: ACMG Guidelines, 2015. Collection method: clinical testing. Allele origin: germline. Affected: yes. Observed: 1 variant allele.

Women's Health and Genetics/Laboratory Corporation of America, LabCorp
Classification: Benign. Last evaluated: 2016-08-22. Review status: criteria provided, single submitter. Criteria: LabCorp Variant Classification Summary - May 2015. Collection method: clinical testing. Allele origin: germline.
Comment: Variant Summary: CAV3 c.233C>T (p.T78M) affects a conserved nucleotide and 4/5 in-silico tools predict this variant to be damaging. The variant is located within the central hydrophobic transmembrane domain (amino acids 75106) of caveolin-3 and has previously been reported to be disease causing. In vitro functional studies have shown that T78M interacts with the cardiac sodium channel to promote increased persistent current. However, it may be meaningless to assess the effects that CAV3 mutations have on a single ion channel without being able to assess the effect on the action potential as a whole due to the complex regulatory nature of the different cardiac ion channels that localize within caveolae. Therefore, the finding that T78M CAV3 expressed heterologously in HEK293 cell lines stably expressing the most common (Q1077del) variant of SCN5A-encoded cardiac sodium channel can cause a five-fold increase in late sodium current should not be considered strong evidence for pathogenicity. Detection of CAV3 T78M in unrelated patients with various diseases has led to its repeated labeling as pathogenic in the literature. However, many of these patients had a co-occurrence that could explain most, if not all, of the presenting phenotype. Additionally, T78M was found in 379/124242 control chromosomes at a frequency of 0.0030505, which is more than 121 times the maximal expected frequency of a CAV3 pathogenic allele (0.000025), suggesting this variant is a benign polymorphism. Patient observations and limited in vitro characterization are not sufficient to conclude that CAV T78M is pathogenic. It is possible that CAV3 T78M may exert a pathogenic effect in association with other genetic factors, however in isolation, the evidence strongly supports a benign classification of this variant. Additionally, several reputable labs classify the variant as benign/likely benign. Taken together, this variant was classified as benign.

Molecular Diagnostic Laboratory for Inherited Cardiovascular Disease, Montreal Heart Institute
Classification: Benign. Last evaluated: 2016-08-16. Review status: criteria provided, single submitter. Criteria: ACMG Guidelines, 2015. Collection method: clinical testing. Allele origin: germline. Affected: yes.

Laboratory for Molecular Medicine, Mass General Brigham Personalized Medicine
Classification: Likely benign. Last evaluated: 2015-08-12. Review status: criteria provided, single submitter. Criteria: LMM Criteria. Collection method: clinical testing. Allele origin: germline. Observed: 15 variant alleles.
Comment: p.Thr78Met in exon 2 of CAV3: This variant has been reported in 1 individual wit h idiopathic hyper-CK-emia, 3 individuals with LQTS (one of whom had a second pa thogenic variant), 1 individual with DCM and limb-girdle muscular dystrophy (hom ozygous for this variant), and 1 infant with SIDS, and was not detected in >1500 control chromosomes (Reijneveld 2006, Vatta 2006, Cronk 2007, Traverso 2008). H owever, this variant is not expected to have clinical significance because it ha s been identified in 0.4% (276/66492) of European chromosomes and 0.46% (48/1037 6) of African chromosomes by the Exome Aggregation Consortium (ExAC ., dbSNP rs72546668).

Eurofins Ntd Llc (ga)
Classification: Likely benign. Last evaluated: 2015-07-15. Review status: criteria provided, single submitter. Criteria: EGL Classification Definitions 2015. Collection method: clinical testing. Allele origin: germline. Observed: 9 variant alleles, 8 heterozygotes.

NM_033337.3(CAV3):c.233C>T (p.Thr78Met)

Genes: CAV3 (caveolin 3; plus strand), OXTR (oxytocin receptor; minus strand). Cytogenetic location: 3p25.3.
Variant type: single nucleotide variant.
Coding change: c.233C>T on transcript NM_033337.3 (MANE Select); coding-DNA position 233, C replaced by T.
Protein change: p.Thr78Met; replaces threonine 78 with methionine.
Molecular consequence: missense variant.
Genome position (GRCh38, 1-based): chr3:8,745,644, C>T. VCF-style: chr3-8745644-C-T. GRCh37 (hg19) VCF-style: chr3-8787330-C-T.
Other names: p.T78M:ACG>ATG; c.233C>T, p.Thr78Met (NM_001234.5); short protein forms T78M.
Identifiers: ClinVar variation 8293 (VCV000008293.85), dbSNP rs72546668, ClinGen allele CA119455.